The following is an entry in ClinVar:

ClinVar aggregate classification (germline): Pathogenic. Review status: criteria provided, multiple submitters, no conflicts (2 of 4 stars). 2 submissions from 2 submitters: Pathogenic (2). Last evaluated 2025-03-19.

Conditions:
Congenital adrenal hypoplasia, X-linked (AHC). Also called: Isolated X-Linked Adrenal Hypoplasia Congenita; ADRENAL HYPOPLASIA, CONGENITAL, WITH HYPOGONADOTROPIC HYPOGONADISM; X-linked AHC; X-Linked Adrenal Hypoplasia Congenita. Identifiers: Orphanet 95702, MedGen C0342482, MONDO:0010264, OMIM 300200. Disease mechanism: loss of function.

Submissions (2):

Variantyx, Inc.
Classification: Pathogenic for Congenital adrenal hypoplasia, X-linked. Last evaluated: 2025-03-19. Review status: criteria provided, single submitter. Criteria: Variantyx Assertion Criteria 2022. Collection method: clinical testing. Allele origin: maternal. Affected: yes.
Comment: This is a nonsense variant in the NR0B1 gene (OMIM: 300473). Pathogenic variants in this gene have been associated with X-linked congenital adrenal hypoplasia. This variant introduces a premature termination codon in exon 1 out of 2. It is expected to result in loss of function, which is a known disease mechanism for NR0B1 in this disorder (PMID: 9529340) (PVS1). This variant has been reported in at least 3 unrelated affected individual(s) (PMID: 9529340 , 21632081, 31141483) (PS4_Moderate). This variant is absent from control populations (PM2_Supporting). Based on the current evidence, this variant is classified as pathogenic for X-linked congenital adrenal hypoplasia.

GeneDx
Classification: Pathogenic. Last evaluated: 2022-05-05. Review status: criteria provided, single submitter. Criteria: GeneDx Variant Classification Process June 2021. Collection method: clinical testing. Allele origin: germline. Affected: yes.
Comment: Nonsense variant predicted to result in protein truncation or nonsense mediated decay in a gene for which loss of function is a known mechanism of disease; Published functional studies demonstrate a damaging effect due to reduced repression of STAR gene promoter activity compared to wild-type (Choi et al., 2011); Not observed at significant frequency in large population cohorts (gnomAD); This variant is associated with the following publications: (PMID: 9529340, 21632081, 11748841)

NM_000475.5(NR0B1):c.754C>T (p.Gln252Ter)

Gene: NR0B1 (nuclear receptor subfamily 0 group B member 1; minus strand). Cytogenetic location: Xp21.2.
Variant type: single nucleotide variant.
Coding change: c.754C>T on transcript NM_000475.5 (MANE Select); coding-DNA position 754, C replaced by T.
Protein change: p.Gln252Ter; replaces glutamine 252 with a stop codon.
Molecular consequence: nonsense.
Genome position (GRCh38, 1-based): chrX:30,308,610, G>A on the plus strand (C>T on the coding strand, the complement: NR0B1 is on the minus strand). VCF-style: chrX-30308610-G-A. GRCh37 (hg19) VCF-style: chrX-30326727-G-A.
Other names: short protein forms Q252*.
Identifiers: ClinVar variation 1723064 (VCV001723064.3), dbSNP rs2519051223, ClinGen allele CA412547956.
Genomic context (GRCh38, chrX:30,308,610, plus strand): 5'-AGTACTTGACGAAGCGCAGCGTCTTCAACAGGCCCGCTGAGGCTGCCTCGCAGACCACCT[G>A]TGGACTCTTGAGCGCCACCGGCCGCAGCGCACCAGAGGAGGTGTCCCACCAGGGGGCCCT-3'